The following is an entry in ClinVar:

NM_006245.4(PPP2R5D):c.817C>T (p.Arg273Trp)

Gene: PPP2R5D (protein phosphatase 2 regulatory subunit B'delta; plus strand). Cytogenetic location: 6p21.1.
Variant type: single nucleotide variant.
Coding change: c.817C>T on transcript NM_006245.4 (MANE Select); coding-DNA position 817, C replaced by T.
Protein change: p.Arg273Trp; replaces arginine 273 with tryptophan.
Molecular consequence: missense variant.
Genome position (GRCh38, 1-based): chr6:43,008,025, C>T. VCF-style: chr6-43008025-C-T. GRCh37 (hg19) VCF-style: chr6-42975763-C-T.
Other names: c.364C>T, p.Arg122Trp (NM_001270476.2); c.721C>T, p.Arg241Trp (NM_180976.3); c.499C>T, p.Arg167Trp (NM_180977.3); short protein forms R122W, R167W, R241W, R273W.
Identifiers: ClinVar variation 4778270 (VCV004778270.1).

ClinVar aggregate classification (germline): Uncertain significance (1 of 4 stars; one submission).

gnomAD v4.1: 4 of 1,614,044 alleles (0.00025%); highest among the groups gnomAD compares: Non-Finnish European, 0.00017%; no homozygotes.

Submission:

Labcorp Genetics (formerly Invitae), Labcorp
Classification: Uncertain significance. Last evaluated: 2025-05-11. Review status: criteria provided, single submitter. Criteria: Invitae Variant Classification Sherloc (09022015). Collection method: clinical testing. Allele origin: germline.
Comment: This sequence change replaces arginine, which is basic and polar, with tryptophan, which is neutral and slightly polar, at codon 273 of the PPP2R5D protein (p.Arg273Trp). This variant is not present in population databases (gnomAD no frequency). This variant has not been reported in the literature in individuals affected with PPP2R5D-related conditions. An algorithm developed to predict the effect of missense changes on protein structure and function (PolyPhen-2) suggests that this variant is likely to be disruptive. In summary, the available evidence is currently insufficient to determine the role of this variant in disease. Therefore, it has been classified as a Variant of Uncertain Significance.